The following is an entry in ClinVar:

NM_001290043.2(TAP2):c.1205G>A (p.Gly402Glu)

Gene: TAP2 (transporter 2, ATP binding cassette subfamily B member; minus strand). Cytogenetic location: 6p21.32.
Variant type: single nucleotide variant.
Coding change: c.1205G>A on transcript NM_001290043.2 (MANE Select); coding-DNA position 1205, G replaced by A.
Protein change: p.Gly402Glu; replaces glycine 402 with glutamic acid.
Molecular consequence: missense variant.
Genome position (GRCh38, 1-based): chr6:32,832,400, C>T on the plus strand (G>A on the coding strand, the complement: TAP2 is on the minus strand). VCF-style: chr6-32832400-C-T. GRCh37 (hg19) VCF-style: chr6-32800177-C-T.
Other names: c.1205G>A, p.Gly402Glu (NM_000544.3, NM_018833.3); short protein forms G402E.
Identifiers: ClinVar variation 1420241 (VCV001420241.6), dbSNP rs750999800, ClinGen allele CA363582787.

ClinVar aggregate classification (germline): Uncertain significance (1 of 4 stars; one submission).

Conditions:
MHC class I deficiency. Identifiers: Orphanet 34592, MedGen C6024714, MONDO:0011476.

gnomAD v4.1: 4 of 1,612,982 alleles (0.00025%); highest among the groups gnomAD compares: Admixed American, 0.0017%; no homozygotes.

Submission:

Labcorp Genetics (formerly Invitae), Labcorp
Classification: Uncertain significance for MHC class I deficiency 1. Last evaluated: 2021-10-14. Review status: criteria provided, single submitter. Criteria: Invitae Variant Classification Sherloc (09022015). Collection method: clinical testing. Allele origin: germline.
Comment: In summary, the available evidence is currently insufficient to determine the role of this variant in disease. Therefore, it has been classified as a Variant of Uncertain Significance. Algorithms developed to predict the effect of missense changes on protein structure and function are either unavailable or do not agree on the potential impact of this missense change (SIFT: "Deleterious"; PolyPhen-2: "Not Available"; Align-GVGD: "Class C0"). This variant has not been reported in the literature in individuals affected with TAP2-related conditions. This variant is not present in population databases (ExAC no frequency). This sequence change replaces glycine with glutamic acid at codon 402 of the TAP2 protein (p.Gly402Glu). The glycine residue is highly conserved and there is a moderate physicochemical difference between glycine and glutamic acid.